The following is an entry in ClinVar:

NM_001365088.1(SLC12A6):c.289A>G (p.Ile97Val)

Gene: SLC12A6 (solute carrier family 12 member 6; minus strand). Cytogenetic location: 15q14.
Variant type: single nucleotide variant.
Coding change: c.289A>G on transcript NM_001365088.1 (MANE Select); coding-DNA position 289, A replaced by G.
Protein change: p.Ile97Val; replaces isoleucine 97 with valine.
Molecular consequence: missense variant. On other transcripts: genic downstream transcript variant (1).
Genome position (GRCh38, 1-based): chr15:34,275,372, T>C on the plus strand (A>G on the coding strand, the complement: SLC12A6 is on the minus strand). VCF-style: chr15-34275372-T-C. GRCh37 (hg19) VCF-style: chr15-34567573-T-C.
Other names: c.112A>G, p.Ile38Val (NM_001042494.2, NM_001042495.2); c.262A>G, p.Ile88Val (NM_001042496.2); c.136A>G, p.Ile46Val (NM_005135.2); c.289A>G, p.Ile97Val (NM_133647.2); c.272-14352A>G (NM_001042497.2); short protein forms I38V, I46V, I88V, I97V.
Identifiers: ClinVar variation 2203621 (VCV002203621.4), dbSNP rs762859105, ClinGen allele CA7464628.

ClinVar aggregate classification (germline): Uncertain significance. Review status: criteria provided, multiple submitters, no conflicts (2 of 4 stars). 2 submissions from 2 submitters: Uncertain significance (2). Last evaluated 2024-12-31.

Conditions:
Inborn genetic diseases. Identifiers: MedGen C0950123, MeSH D030342.

Allele frequency attached by ClinVar (database versions not stated): TOPMed 0.00002.
gnomAD v4.1: 47 of 1,543,858 alleles (0.003%); highest among the groups gnomAD compares: Non-Finnish European, 0.0039%; no homozygotes.

Submissions (2):

Ambry Genetics
Classification: Uncertain significance for Inborn genetic diseases. Last evaluated: 2024-12-31. Review status: criteria provided, single submitter. Criteria: Ambry Variant Classification Scheme 2023. Collection method: clinical testing. Allele origin: germline.

Labcorp Genetics (formerly Invitae), Labcorp
Classification: Uncertain significance. Last evaluated: 2024-08-28. Review status: criteria provided, single submitter. Criteria: Invitae Variant Classification Sherloc (09022015). Collection method: clinical testing. Allele origin: germline.
Comment: This sequence change replaces isoleucine, which is neutral and non-polar, with valine, which is neutral and non-polar, at codon 97 of the SLC12A6 protein (p.Ile97Val). This variant is present in population databases (rs762859105, gnomAD 0.004%). This variant has not been reported in the literature in individuals affected with SLC12A6-related conditions. ClinVar contains an entry for this variant (Variation ID: 2203621). Invitae Evidence Modeling of protein sequence and biophysical properties (such as structural, functional, and spatial information, amino acid conservation, physicochemical variation, residue mobility, and thermodynamic stability) indicates that this missense variant is not expected to disrupt SLC12A6 protein function with a negative predictive value of 95%. In summary, the available evidence is currently insufficient to determine the role of this variant in disease. Therefore, it has been classified as a Variant of Uncertain Significance.